The following is an entry in ClinVar:

NM_022166.4(XYLT1):c.2739G>A (p.Met913Ile)

Gene: XYLT1 (xylosyltransferase 1; minus strand). Cytogenetic location: 16p12.3.
Variant type: single nucleotide variant.
Coding change: c.2739G>A on transcript NM_022166.4 (MANE Select); coding-DNA position 2739, G replaced by A.
Protein change: p.Met913Ile; replaces methionine 913 with isoleucine.
Molecular consequence: missense variant.
Genome position (GRCh38, 1-based): chr16:17,108,836, C>T on the plus strand (G>A on the coding strand, the complement: XYLT1 is on the minus strand). VCF-style: chr16-17108836-C-T. GRCh37 (hg19) VCF-style: chr16-17202693-C-T.
Other names: c.2739G>A (NM_022166.3); short protein forms M913I.
Identifiers: ClinVar variation 2726229 (VCV002726229.4), dbSNP rs750871331, ClinGen allele CA7927489.

ClinVar aggregate classification (germline): Uncertain significance. Review status: criteria provided, multiple submitters, no conflicts (2 of 4 stars). 2 submissions from 2 submitters: Uncertain significance (2). Last evaluated 2024-11-08.

Conditions:
Desbuquois dysplasia 1 (DBQD1). Also called: DESBUQUOIS DYSPLASIA 1, KIM VARIANT; MICROMELIC DWARFISM WITH VERTEBRAL AND METAPHYSEAL ABNORMALITIES AND ADVANCED CARPOTARSAL OSSIFICATION. Identifiers: Orphanet 1425, MedGen C4012146, MONDO:0009629, OMIM 251450.
Inborn genetic diseases. Identifiers: MedGen C0950123, MeSH D030342.

Allele frequency attached by ClinVar (database versions not stated): gnomAD 0.00001; TOPMed 0.00001; gnomAD exomes 0.00002; ExAC 0.00003.
gnomAD v4.1: 36 of 1,612,838 alleles (0.0022%); highest among the groups gnomAD compares: East Asian, 0.0067%; no homozygotes.

Submissions (2):

Ambry Genetics
Classification: Uncertain significance for Inborn genetic diseases. Last evaluated: 2024-11-08. Review status: criteria provided, single submitter. Criteria: Ambry Variant Classification Scheme 2023. Collection method: clinical testing. Allele origin: germline.

Labcorp Genetics (formerly Invitae), Labcorp
Classification: Uncertain significance for Desbuquois dysplasia 1. Last evaluated: 2023-12-17. Review status: criteria provided, single submitter. Criteria: Invitae Variant Classification Sherloc (09022015). Collection method: clinical testing. Allele origin: germline.
Comment: This sequence change replaces methionine, which is neutral and non-polar, with isoleucine, which is neutral and non-polar, at codon 913 of the XYLT1 protein (p.Met913Ile). This variant is present in population databases (rs750871331, gnomAD 0.02%). This variant has not been reported in the literature in individuals affected with XYLT1-related conditions. Algorithms developed to predict the effect of missense changes on protein structure and function output the following: SIFT: "Not Available"; PolyPhen-2: "Benign"; Align-GVGD: "Not Available". The isoleucine amino acid residue is found in multiple mammalian species, which suggests that this missense change does not adversely affect protein function. In summary, the available evidence is currently insufficient to determine the role of this variant in disease. Therefore, it has been classified as a Variant of Uncertain Significance.